The following is an entry in ClinVar:

NM_004055.5(CAPN5):c.298-9C>G

Gene: CAPN5 (calpain 5; plus strand). Cytogenetic location: 11q13.5.
Variant type: single nucleotide variant.
Coding change: c.298-9C>G on transcript NM_004055.5 (MANE Select); 9 bases into the intron before coding-DNA position 298, C replaced by G.
Molecular consequence: intron variant.
Genome position (GRCh38, 1-based): chr11:77,112,580, C>G. VCF-style: chr11-77112580-C-G. GRCh37 (hg19) VCF-style: chr11-76823626-C-G.
Other names: c.298-9C>G (NM_004055.4).
Identifiers: ClinVar variation 1167982 (VCV001167982.11), dbSNP rs190963896, ClinGen allele CA6196407.

ClinVar aggregate classification (germline): Benign/Likely benign. Review status: criteria provided, multiple submitters, no conflicts (2 of 4 stars). 3 submissions from 3 submitters: Benign (1); Likely benign (2). Last evaluated 2025-11-21.

Conditions:
CAPN5-related disorder. Also called: CAPN5-related condition.

Allele frequency attached by ClinVar (database versions not stated): gnomAD 0.00010 and 0.00013; gnomAD exomes 0.00010 and 0.00029; TOPMed 0.00012; ExAC 0.00022; 1000 Genomes Project 30x 0.00078; 1000 Genomes Project 0.00080.
gnomAD v4.1: 169 of 1,612,804 alleles (0.01%); highest among the groups gnomAD compares: East Asian, 0.22%; no homozygotes.

Submissions (3):

Labcorp Genetics (formerly Invitae), Labcorp
Classification: Benign. Last evaluated: 2025-11-21. Review status: criteria provided, single submitter. Criteria: Invitae Variant Classification Sherloc (09022015). Collection method: clinical testing. Allele origin: germline.

PreventionGenetics, part of Exact Sciences
Classification: Likely benign for CAPN5-related condition. Last evaluated: 2025-01-02. Review status: criteria provided, single submitter. Criteria: ACMG Guidelines, 2015. Collection method: clinical testing. Allele origin: germline.
Comment: This variant is classified as likely benign based on ACMG/AMP sequence variant interpretation guidelines (Richards et al. 2015 PMID: 25741868, with internal and published modifications).

Blueprint Genetics
Classification: Likely benign. Last evaluated: 2024-08-08. Review status: criteria provided, single submitter. Criteria: ACMG Guidelines, 2015. Collection method: clinical testing. Allele origin: germline.